The following is an entry in ClinVar:

ClinVar aggregate classification (germline): Uncertain significance (1 of 4 stars; one submission).

Submission:

Labcorp Genetics (formerly Invitae), Labcorp
Classification: Uncertain significance. Last evaluated: 2025-02-10. Review status: criteria provided, single submitter. Criteria: Invitae Variant Classification Sherloc (09022015). Collection method: clinical testing. Allele origin: germline.
Comment: This sequence change replaces asparagine, which is neutral and polar, with tyrosine, which is neutral and polar, at codon 141 of the C1QC protein (p.Asn141Tyr). This variant is present in population databases (no rsID available, gnomAD 0.0009%). This variant has not been reported in the literature in individuals affected with C1QC-related conditions. An algorithm developed to predict the effect of missense changes on protein structure and function (PolyPhen-2) suggests that this variant is likely to be disruptive. In summary, the available evidence is currently insufficient to determine the role of this variant in disease. Therefore, it has been classified as a Variant of Uncertain Significance.

NM_172369.5(C1QC):c.421A>T (p.Asn141Tyr)

Gene: C1QC (complement C1q C chain; plus strand). Cytogenetic location: 1p36.12.
Variant type: single nucleotide variant.
Coding change: c.421A>T on transcript NM_172369.5 (MANE Select); coding-DNA position 421, A replaced by T.
Protein change: p.Asn141Tyr; replaces asparagine 141 with tyrosine.
Molecular consequence: missense variant.
Genome position (GRCh38, 1-based): chr1:22,647,466, A>T. VCF-style: chr1-22647466-A-T. GRCh37 (hg19) VCF-style: chr1-22973959-A-T.
Other names: c.421A>T, p.Asn141Tyr (NM_001114101.3, NM_001347619.2); c.154A>T, p.Asn52Tyr (NM_001347620.2); short protein forms N141Y, N52Y.
Identifiers: ClinVar variation 4770695 (VCV004770695.1).